The following is an entry in ClinVar:

ClinVar aggregate classification (germline): Conflicting classifications of pathogenicity. Review status: criteria provided, conflicting classifications (1 of 4 stars). 7 submissions from 7 submitters: Uncertain significance (5); Likely benign (1). 1 of the submissions does not count toward it. Last evaluated 2026-05-05.

Conditions:
Cardiovascular phenotype. Identifiers: MedGen CN230736.
Noonan syndrome (NS). Also called: Noonan's syndrome. Identifiers: Orphanet 648, MedGen C0028326, MeSH D009634, MONDO:0018997. Disease mechanism: gain of function.
Noonan syndrome 9 (NS9). Identifiers: Orphanet 648, MedGen C4225282, MONDO:0014691, OMIM 616559.

Allele frequency attached by ClinVar (database versions not stated): gnomAD exomes 0.00004; ExAC 0.00005; TOPMed 0.00006; gnomAD 0.00007; ESP Exome Variant Server 0.00008.
gnomAD v4.1: 68 of 1,612,958 alleles (0.0042%); highest among the groups gnomAD compares: Middle Eastern, 0.099%; no homozygotes.

Submissions (7):

Ambry Genetics
Classification: Uncertain significance for Cardiovascular phenotype. Last evaluated: 2026-05-05. Review status: criteria provided, single submitter. Criteria: Ambry Variant Classification Scheme 2023. Collection method: clinical testing. Allele origin: germline.
Comment: The c.3997T>C variant (also known as p.*1333Rext*2), located in coding exon 23 of the SOS2 gene, results from a T to C substitution at nucleotide position 3997. This variant disrupts the stop codon and is predicted to preserve the native sequence while resulting in the elongation of the protein by 2 amino acids. The exact functional effect of the additional amino acids is unknown. Based on the available evidence, the clinical significance of this variant remains unclear.

Women's Health and Genetics/Laboratory Corporation of America, LabCorp
Classification: Uncertain significance. Last evaluated: 2026-04-23. Review status: criteria provided, single submitter. Criteria: LabCorp Variant Classification Summary - May 2015. Collection method: clinical testing. Allele origin: germline.
Comment: Variant summary: SOS2 c.3997T>C (p.X1333ArgextX2) changes the termination codon and is predicted to lead to an extended protein with additional amino acids added to the normal C-terminus. The variant allele was found at a frequency of 5.2e-05 in 250822 control chromosomes. The observed variant frequency exceeds the estimated maximal expected allele frequency for disease-causing variants in SOS2. Activating mutations in SOS2 have been reported in patients with Noonan syndrome, however, the relevance of stop-codon read through variants on the associated mechanism and/or pathophysiology of Noonan syndrome is not clear. c.3997T>C has been reported in the literature in at-least one individual from a family reportedly affected with Brugada syndrome (Molina_2019). These report(s) do not provide unequivocal conclusions about association of the variant with Noonan Syndrome And Related Conditions. To our knowledge, no experimental evidence demonstrating an impact on protein function has been reported. The following publication has been ascertained in the context of this evaluation (Molina_2019). ClinVar contains an entry for this variant (Variation ID: 859843). Based on the evidence outlined above, the variant was classified as uncertain significance.

Labcorp Genetics (formerly Invitae), Labcorp
Classification: Uncertain significance for Noonan syndrome 9. Last evaluated: 2025-12-21. Review status: criteria provided, single submitter. Criteria: Invitae Variant Classification Sherloc (09022015). Collection method: clinical testing. Allele origin: germline.
Comment: This sequence change is expected to alter the c-terminus of the SOS2 protein (p.*1333Argext*2). While this is not anticipated to result in nonsense mediated decay, it is expected to disrupt the last amino acid of the SOS2 protein and extend the protein by 2 additional amino acid residues. This variant is present in population databases (rs142666803, gnomAD 0.04%). This variant has not been reported in the literature in individuals affected with SOS2-related conditions. ClinVar contains an entry for this variant (Variation ID: 859843). Experimental studies and prediction algorithms are not available or were not evaluated, and the functional significance of this variant is currently unknown. In summary, the available evidence is currently insufficient to determine the role of this variant in disease. Therefore, it has been classified as a Variant of Uncertain Significance.

Blueprint Genetics
Classification: Likely benign. Last evaluated: 2024-10-21. Review status: criteria provided, single submitter. Criteria: ACMG Guidelines, 2015. Collection method: clinical testing. Allele origin: germline.

Fulgent Genetics
Classification: Uncertain significance for Noonan syndrome 9. Last evaluated: 2021-12-10. Review status: criteria provided, single submitter. Criteria: ACMG Guidelines, 2015. Collection method: clinical testing. Allele origin: unknown.

Genome-Nilou Lab
Classification: Uncertain significance for Noonan syndrome 9. Review status: criteria provided, single submitter. Criteria: ACMG Guidelines, 2015. Collection method: clinical testing. Allele origin: germline.

Service de Génétique Moléculaire, Hôpital Robert Debré
Classification: Uncertain significance for Noonan syndrome. Review status: no assertion criteria provided. Collection method: clinical testing. Allele origin: unknown. Affected: yes. Not counted in ClinVar's aggregate classification.

NM_006939.4(SOS2):c.3997T>C (p.Ter1333Arg)

Gene: SOS2 (SOS Ras/Rho guanine nucleotide exchange factor 2; minus strand). Cytogenetic location: 14q21.3.
Variant type: single nucleotide variant.
Coding change: c.3997T>C on transcript NM_006939.4 (MANE Select); coding-DNA position 3997, T replaced by C.
Protein change: p.Ter1333Arg.
Molecular consequence: stop lost.
Genome position (GRCh38, 1-based): chr14:50,118,346, A>G on the plus strand (T>C on the coding strand, the complement: SOS2 is on the minus strand). VCF-style: chr14-50118346-A-G. GRCh37 (hg19) VCF-style: chr14-50585064-A-G.
Other names: *1333R.
Identifiers: ClinVar variation 859843 (VCV000859843.18), dbSNP rs142666803, ClinGen allele CA7176672.